The following is an entry in ClinVar:

ClinVar aggregate classification (germline): Uncertain significance. Review status: criteria provided, multiple submitters, no conflicts (2 of 4 stars). 2 submissions from 2 submitters: Uncertain significance (2). Last evaluated 2025-03-31.

Conditions:
Dilated cardiomyopathy 1DD (CMD1DD). Identifiers: Orphanet 154, MedGen C2750995, MONDO:0013168, OMIM 613172.

Submissions (2):

Women's Health and Genetics/Laboratory Corporation of America, LabCorp
Classification: Uncertain significance. Last evaluated: 2025-03-31. Review status: criteria provided, single submitter. Criteria: LabCorp Variant Classification Summary - May 2015. Collection method: clinical testing. Allele origin: germline.
Comment: Variant summary: RBM20 c.2326_2328delCAG (p.Gln776del) results in an in-frame deletion that is predicted to remove one amino acid from the encoded protein. The variant allele was found at a frequency of 1.3e-05 in 156524 control chromosomes. The available data on variant occurrences in the general population are insufficient to allow any conclusion about variant significance. To our knowledge, no occurrence of c.2326_2328delCAG in individuals affected with Dilated Cardiomyopathy and no experimental evidence demonstrating its impact on protein function have been reported. ClinVar contains an entry for this variant (Variation ID: 2107592). Based on the evidence outlined above, the variant was classified as uncertain significance.

Labcorp Genetics (formerly Invitae), Labcorp
Classification: Uncertain significance for Dilated cardiomyopathy 1DD. Last evaluated: 2024-09-11. Review status: criteria provided, single submitter. Criteria: Invitae Variant Classification Sherloc (09022015). Collection method: clinical testing. Allele origin: germline.
Comment: This variant, c.2326_2328del, results in the deletion of 1 amino acid(s) of the RBM20 protein (p.Gln776del), but otherwise preserves the integrity of the reading frame. This variant is present in population databases (no rsID available, gnomAD 0.008%). This variant has not been reported in the literature in individuals affected with RBM20-related conditions. Experimental studies and prediction algorithms are not available or were not evaluated, and the functional significance of this variant is currently unknown. In summary, the available evidence is currently insufficient to determine the role of this variant in disease. Therefore, it has been classified as a Variant of Uncertain Significance.

NM_001134363.3(RBM20):c.2320CAG[2] (p.Gln776del)

Gene: RBM20 (RNA binding motif protein 20; plus strand). Cytogenetic location: 10q25.2.
Variant type: Microsatellite.
Coding change: c.2320CAG[2] on transcript NM_001134363.3 (MANE Select); two copies in a row of the 3-base unit CAG starting at c.2320; the reference has three copies in a row; one copy, 3 bases deleted.
Protein change: p.Gln776del; deletes glutamine 776.
Molecular consequence: inframe deletion.
Genome position (GRCh38, 1-based): chr10:110,812,723-110,812,725, CAG deleted; deleting any 3 consecutive bases within chr10:110,812,715-110,812,725 gives the same sequence; the position shown is the placement nearest the transcript's 3' end. VCF-style (leftmost placement, unchanged base first): chr10-110812714-AAGC-A. GRCh37 (hg19) VCF-style: chr10-112572472-AAGC-A.
Other names: c.2326_2328delCAG (NM_001134363.3); short protein forms Q776del.
Identifiers: ClinVar variation 2107592 (VCV002107592.5), dbSNP rs1185715843, ClinGen allele CA596112261.